The following is an entry in ClinVar:

ClinVar aggregate classification (germline): Pathogenic. Review status: reviewed by expert panel (3 of 4 stars). 10 submissions from 10 submitters: Pathogenic (1). 9 of the submissions do not count toward it. Last evaluated 2016-10-18.

Conditions:
Hereditary cancer-predisposing syndrome. Also called: Tumor predisposition; Hereditary Cancer Syndrome; Neoplastic Syndromes, Hereditary; Hereditary neoplastic syndrome. Identifiers: Orphanet 140162, MedGen C0027672, MeSH D009386, MONDO:0015356.
Hereditary breast ovarian cancer syndrome. Also called: Hereditary breast and ovarian cancer syndrome; Hereditary breast and ovarian cancer; Hereditary breast and ovarian cancer syndrome (HBOC); BRCA1- and BRCA2-Associated Hereditary Breast and Ovarian Cancer; Hereditary breast and/or ovarian cancer syndrome; Breast and ovarian cancer. Identifiers: Orphanet 145, MedGen C0677776, MeSH D061325, MONDO:0003582. Disease mechanism: loss of function.
Breast-ovarian cancer, familial, susceptibility to, 2 (BROVCA2). Also called: BRCA2 Hereditary Breast and Ovarian Cancer. Identifiers: Orphanet 145, MedGen C2675520, MONDO:0012933, OMIM 612555. Disease mechanism: loss of function.
Familial cancer of breast. Also called: BREAST CANCER, FAMILIAL; Hereditary breast cancer; hereditary breast carcinoma. Identifiers: Orphanet 227535, MedGen C0346153, MONDO:0016419, OMIM 114480. Disease mechanism: loss of function.

Submissions (10):

Evidence-based Network for the Interpretation of Germline Mutant Alleles (ENIGMA)
Classification: Pathogenic for Breast-ovarian cancer, familial, susceptibility to, 2. Last evaluated: 2016-10-18. Review status: reviewed by expert panel. Criteria: ENIGMA BRCA1/2 Classification Criteria (2015). Collection method: curation. Allele origin: germline.
Comment: Variant allele predicted to encode a truncated non-functional protein.

CeGaT Center for Human Genetics Tuebingen
Classification: Pathogenic. Last evaluated: 2026-03-01. Review status: criteria provided, single submitter. Criteria: CeGaT Center For Human Genetics Tuebingen Variant Classification Criteria Version 2. Collection method: clinical testing. Allele origin: germline. Affected: yes. Observed: 1 variant allele. Not counted in ClinVar's aggregate classification.
Comment: BRCA2: PVS1, PM2

Labcorp Genetics (formerly Invitae), Labcorp
Classification: Pathogenic for Hereditary breast ovarian cancer syndrome. Last evaluated: 2025-11-25. Review status: criteria provided, single submitter. Criteria: Invitae Variant Classification Sherloc (09022015). Collection method: clinical testing. Allele origin: germline. Not counted in ClinVar's aggregate classification.
Comment: This sequence change creates a premature translational stop signal (p.Leu824*) in the BRCA2 gene. It is expected to result in an absent or disrupted protein product. Loss-of-function variants in BRCA2 are known to be pathogenic (PMID: 20104584). This variant is not present in population databases (gnomAD no frequency). This premature translational stop signal has been observed in individual(s) with breast cancer (PMID: 15858120, 22762150). ClinVar contains an entry for this variant (Variation ID: 266700). For these reasons, this variant has been classified as Pathogenic.

Ambry Genetics
Classification: Pathogenic for Hereditary cancer-predisposing syndrome. Last evaluated: 2025-04-23. Review status: criteria provided, single submitter. Criteria: Ambry Variant Classification Scheme 2023. Collection method: clinical testing. Allele origin: germline. Not counted in ClinVar's aggregate classification.
Comment: The c.2471delT pathogenic mutation, located in coding exon 10 of the BRCA2 gene, results from a deletion of one nucleotide at nucleotide position 2471, causing a translational frameshift with a predicted alternate stop codon (p.L824*). This alteration has been identified in patients with ovarian cancer (Sakai W et al. Nature. 2008 Feb;451:1116-20; Walsh CS et al. Clin. Cancer Res. 2008 Dec;14:7645-51; Dhillon KK et al. Cancer Sci. 2011 Apr;102:663-9). Of note, this mutation is also designated as 2699delT in published literature. In addition to the clinical data presented in the literature, this alteration is expected to result in loss of function by premature protein truncation or nonsense-mediated mRNA decay. As such, this alteration is interpreted as a disease-causing mutation.

GeneDx
Classification: Pathogenic. Last evaluated: 2024-04-05. Review status: criteria provided, single submitter. Criteria: GeneDx Variant Classification Process June 2021. Collection method: clinical testing. Allele origin: germline. Affected: yes. Not counted in ClinVar's aggregate classification.
Comment: Nonsense variant predicted to result in protein truncation or nonsense mediated decay in a gene for which loss-of-function is a known mechanism of disease; Observed in individuals with BRCA2-related cancers (PMID: 18264087, 19047089); Not observed in large population cohorts (gnomAD); Truncating variants in this gene are considered pathogenic by a well-established clinical consortium and/or database; Also known as 2699delT; This variant is associated with the following publications: (PMID: 19047089, 18264087, 21205087, 29446198)

Color Diagnostics, LLC DBA Color Health
Classification: Pathogenic for Hereditary cancer-predisposing syndrome. Last evaluated: 2023-12-11. Review status: criteria provided, single submitter. Criteria: ACMG Guidelines, 2015. Collection method: clinical testing. Allele origin: germline. Not counted in ClinVar's aggregate classification.
Comment: This variant deletes 1 nucleotide in exon 11 of the BRCA2 gene, creating a frameshift and premature translation stop signal. This variant is expected to result in an absent or non-functional protein product. This variant is also known as 2699delT in the literature. This variant has been reported in an individual affected with ovarian cancer (PMID: 18264087, 19047089). This variant has not been identified in the general population by the Genome Aggregation Database (gnomAD). Loss of BRCA2 function is a known mechanism of disease. Based on the available evidence, this variant is classified as Pathogenic.

Quest Diagnostics Nichols Institute San Juan Capistrano
Classification: Pathogenic. Last evaluated: 2023-03-02. Review status: criteria provided, single submitter. Criteria: Quest Diagnostics criteria. Collection method: clinical testing. Allele origin: unknown. Not counted in ClinVar's aggregate classification.
Comment: This nonsense variant causes the premature termination of BRCA2 protein synthesis. It has not been reported in large, multi-ethnic general populations. In the published literature, the variant has been reported in individuals with ovarian cancer (PMID: 18264087 (2008), 19047089 (2008)). The variant has also been reported in a world-wide screen of BRCA1/BRCA2 families (PMID: 29446198 (2018)).Based on the available information, this variant is classified as pathogenic.

Baylor Genetics
Classification: Pathogenic for Familial cancer of breast. Last evaluated: 2022-07-23. Review status: criteria provided, single submitter. Criteria: ACMG Guidelines, 2015. Collection method: clinical testing. Allele origin: unknown. Not counted in ClinVar's aggregate classification.

Consortium of Investigators of Modifiers of BRCA1/2 (CIMBA), c/o University of Cambridge
Classification: Pathogenic for Breast-ovarian cancer, familial, susceptibility to, 2. Last evaluated: 2015-10-02. Review status: criteria provided, single submitter. Criteria: CIMBA Mutation Classification guidelines May 2016. Collection method: clinical testing. Allele origin: germline. Not counted in ClinVar's aggregate classification.

Research Molecular Genetics Laboratory, Women's College Hospital, University of Toronto
Classification: Pathogenic for Hereditary breast ovarian cancer syndrome. Last evaluated: 2014-01-31. Review status: no assertion criteria provided. Collection method: research. Allele origin: germline. Affected: yes. Study: The Canadian Open Genetics Repository (COGR). Not counted in ClinVar's aggregate classification.

Literature cited by the submitters: PubMed 20104584 (cited by Labcorp Genetics (formerly Invitae), Labcorp); PubMed 15858120 (cited by Labcorp Genetics (formerly Invitae), Labcorp); PubMed 22762150 (cited by Labcorp Genetics (formerly Invitae), Labcorp); PubMed 18264087 (cited by 3 submitters); PubMed 19047089 (cited by 3 submitters); PubMed 21205087 (cited by Ambry Genetics and Quest Diagnostics Nichols Institute San Juan Capistrano); PubMed 29446198 (cited by Quest Diagnostics Nichols Institute San Juan Capistrano).

NM_000059.4(BRCA2):c.2471del (p.Ala823_Leu824insTer)

Gene: BRCA2 (BRCA2 DNA repair associated; plus strand). Cytogenetic location: 13q13.1.
Variant type: Deletion.
Coding change: c.2471del on transcript NM_000059.4 (MANE Select); coding-DNA position 2471, one base deleted (T; older notation c.2471delT).
Protein change: p.Ala823_Leu824insTer.
Molecular consequence: nonsense.
Genome position (GRCh38, 1-based): chr13:32,336,826, T deleted; the last of 3 consecutive T bases (chr13:32,336,824-32,336,826); deleting any one gives the same sequence. VCF-style (leftmost placement, unchanged base first): chr13-32336823-CT-C. GRCh37 (hg19) VCF-style: chr13-32910960-CT-C.
Other names: 2699delT; c.2471delT (NM_000059.3).
Identifiers: ClinVar variation 266700 (VCV000266700.25), dbSNP rs886040427, ClinGen allele CA10589156.
Genomic context (GRCh38, chr13:32,336,823, plus strand): 5'-ATGAATCTGATGTTGAATTAACCAAAAATATTCCCATGGAAAAGAATCAAGATGTATGTG[CT>C]TTAAATGAAAATTATAAAAACGTTGAGCTGTTGCCACCTGAAAAATACATGAGAGTAGCA-3'